The following is an entry in ClinVar:

ClinVar aggregate classification (germline): Uncertain significance (1 of 4 stars; one submission).

Submission:

Labcorp Genetics (formerly Invitae), Labcorp
Classification: Uncertain significance. Last evaluated: 2025-03-12. Review status: criteria provided, single submitter. Criteria: Invitae Variant Classification Sherloc (09022015). Collection method: clinical testing. Allele origin: germline.
Comment: This variant, c.1097_1099del, results in the deletion of 1 amino acid(s) of the ADGRE2 protein (p.Glu366del), but otherwise preserves the integrity of the reading frame. This variant is not present in population databases (gnomAD no frequency). This variant has not been reported in the literature in individuals affected with ADGRE2-related conditions. Experimental studies and prediction algorithms are not available or were not evaluated, and the functional significance of this variant is currently unknown. In summary, the available evidence is currently insufficient to determine the role of this variant in disease. Therefore, it has been classified as a Variant of Uncertain Significance.

NM_013447.4(ADGRE2):c.1097_1099del (p.Glu366del)

Gene: ADGRE2 (adhesion G protein-coupled receptor E2; minus strand). Cytogenetic location: 19p13.12.
Variant type: Deletion.
Coding change: c.1097_1099del on transcript NM_013447.4 (MANE Select); coding-DNA positions 1097 to 1099, 3 bases deleted (AGG; older notation c.1097_1099delAGG).
Protein change: p.Glu366del; deletes glutamic acid 366.
Genome position (GRCh38, 1-based): chr19:14,756,331-14,756,333, CCT deleted on the plus strand (AGG on the coding strand, the reverse complement: ADGRE2 is on the minus strand); deleting any 3 consecutive bases within chr19:14,756,331-14,756,335 gives the same sequence; the c. name uses the placement nearest the transcript's 3' end. VCF-style (leftmost placement, unchanged base first): chr19-14756330-ACCT-A. GRCh37 (hg19) VCF-style: chr19-14867142-ACCT-A.
Other names: c.1097_1099del, p.Glu366del (NM_001271052.1); c.950_952del, p.Glu317del (NM_152916.2); c.818_820del, p.Glu273del (NM_152917.2); short protein forms E273del, E317del, E366del.
Identifiers: ClinVar variation 4762292 (VCV004762292.1).